The following is an entry in ClinVar:

ClinVar aggregate classification (germline): Uncertain significance. Review status: criteria provided, multiple submitters, no conflicts (2 of 4 stars). 3 submissions from 3 submitters: Uncertain significance (3). Last evaluated 2025-04-10.

Conditions:
Multiple endocrine neoplasia, type 2 (MEN2). Identifiers: Orphanet 653, MedGen C4048306, MONDO:0019003. Disease mechanism: gain of function.
Hereditary cancer-predisposing syndrome. Also called: Neoplastic Syndromes, Hereditary; Hereditary Cancer Syndrome; Hereditary neoplastic syndrome; Tumor predisposition. Identifiers: Orphanet 140162, MedGen C0027672, MeSH D009386, MONDO:0015356.

Allele frequency attached by ClinVar (database versions not stated): gnomAD exomes below 0.00001; gnomAD 0.00001.

Submissions (3):

Labcorp Genetics (formerly Invitae), Labcorp
Classification: Uncertain significance for Multiple endocrine neoplasia, type 2. Last evaluated: 2025-04-10. Review status: criteria provided, single submitter. Criteria: Invitae Variant Classification Sherloc (09022015). Collection method: clinical testing. Allele origin: germline.
Comment: This sequence change replaces cysteine, which is neutral and slightly polar, with tyrosine, which is neutral and polar, at codon 430 of the RET protein (p.Cys430Tyr). This variant is not present in population databases (gnomAD no frequency). This variant has not been reported in the literature in individuals affected with RET-related conditions. ClinVar contains an entry for this variant (Variation ID: 1062209). An algorithm developed to predict the effect of missense changes on protein structure and function (PolyPhen-2) suggests that this variant is likely to be disruptive. In summary, the available evidence is currently insufficient to determine the role of this variant in disease. Therefore, it has been classified as a Variant of Uncertain Significance.

Ambry Genetics
Classification: Uncertain significance for Hereditary cancer-predisposing syndrome. Last evaluated: 2024-03-19. Review status: criteria provided, single submitter. Criteria: Ambry Variant Classification Scheme 2023. Collection method: clinical testing. Allele origin: germline.
Comment: The p.C430Y variant (also known as c.1289G>A), located in coding exon 7 of the RET gene, results from a G to A substitution at nucleotide position 1289. The cysteine at codon 430 is replaced by tyrosine, an amino acid with highly dissimilar properties. This amino acid position is conserved. In addition, this alteration is predicted to be deleterious by in silico analysis. Based on the available evidence, the clinical significance of this alteration remains unclear.

All of Us Research Program, National Institutes of Health
Classification: Uncertain significance for Multiple endocrine neoplasia, type 2. Last evaluated: 2024-01-11. Review status: criteria provided, single submitter. Criteria: ACMG Guidelines, 2015. Collection method: clinical testing. Allele origin: germline. Inheritance: Autosomal dominant inheritance. Observed: 1 variant allele, 1 heterozygote.
Comment: This study involves interpretation of variants in research participants for the purpose of population health screening. Participant phenotype was not available at the time of variant classification. Additional details can be found in publication PMID: 35346344, PMCID: PMC8962531

NM_020975.6(RET):c.1289G>A (p.Cys430Tyr)

Gene: RET (ret proto-oncogene; plus strand). Cytogenetic location: 10q11.21.
Variant type: single nucleotide variant.
Coding change: c.1289G>A on transcript NM_020975.6 (MANE Select); coding-DNA position 1289, G replaced by A.
Protein change: p.Cys430Tyr; replaces cysteine 430 with tyrosine.
Molecular consequence: missense variant.
Genome position (GRCh38, 1-based): chr10:43,111,232, G>A. VCF-style: chr10-43111232-G-A. GRCh37 (hg19) VCF-style: chr10-43606680-G-A.
Other names: c.299G>A, p.Cys100Tyr (NM_001406784.1); c.1289G>A, p.Cys430Tyr (NM_020629.2, NM_020630.7, NM_000323.2 and 6 more transcripts); c.527G>A, p.Cys176Tyr (NM_001355216.2); c.1160G>A, p.Cys387Tyr (NM_001406761.1, NM_001406762.1, NM_001406764.1 and 1 more transcripts); c.1001G>A, p.Cys334Tyr (NM_001406766.1, NM_001406767.1, NM_001406770.1); c.893G>A, p.Cys298Tyr (NM_001406769.1, NM_001406772.1); c.851G>A, p.Cys284Tyr (NM_001406771.1, NM_001406773.1); c.764G>A, p.Cys255Tyr (NM_001406774.1); and 1 more; short protein forms C176Y, C430Y, C334Y, C188Y, C255Y, C284Y, C100Y, C298Y.
Identifiers: ClinVar variation 1062209 (VCV001062209.12), dbSNP rs1837913861, ClinGen allele CA376548900.
Genomic context (GRCh38, chr10:43,111,232, plus strand): 5'-CTGCCTGGCTAAGGTGTTCCCCTGTGCCCCCCTAGATCGGGAAAGTCTGTGTGGAAAACT[G>A]CCAGGCATTCAGTGGCATCAACGTCCAGTACAAGCTGCATTCCTCTGGTGCCAACTGCAG-3'
Protein context (NP_066124.1, residues 420-440): AQIGKVCVEN[Cys430Tyr]QAFSGINVQY